The following is an entry in ClinVar:

ClinVar aggregate classification (germline): Uncertain significance (1 of 4 stars; one submission).

Conditions:
Cardiovascular phenotype. Identifiers: MedGen CN230736.

Submission:

Ambry Genetics
Classification: Uncertain significance for Cardiovascular phenotype. Last evaluated: 2026-07-09. Review status: criteria provided, single submitter. Criteria: Ambry Variant Classification Scheme 2023. Collection method: clinical testing. Allele origin: germline.
Comment: The p.A175T variant (also known as c.523G>A), located in coding exon 1 of the GATA4 gene, results from a G to A substitution at nucleotide position 523. The alanine at codon 175 is replaced by threonine, an amino acid with similar properties. This amino acid position is conserved. In addition, the in silico prediction for this alteration is inconclusive. Based on the available evidence, the clinical significance of this variant remains unclear.

NM_001308093.3(GATA4):c.523G>A (p.Ala175Thr)

Gene: GATA4 (GATA binding protein 4). Cytogenetic location: 8p23.1.
Variant type: single nucleotide variant.
Coding change: c.523G>A on transcript NM_001308093.3 (MANE Select); coding-DNA position 523, G replaced by A.
Protein change: p.Ala175Thr; replaces alanine 175 with threonine.
Molecular consequence: missense variant. On other transcripts: intron variant (3).
Genome position (GRCh38, 1-based): chr8:11,708,835, G>A. VCF-style: chr8-11708835-G-A. GRCh37 (hg19) VCF-style: chr8-11566344-G-A.
Other names: c.523G>A, p.Ala175Thr (NM_002052.5); c.-6+8057G>A (NM_001308094.2); c.-3+821G>A (NM_001374274.1); c.-3+4531G>A (NM_001374273.1); short protein forms A175T.
Identifiers: ClinVar variation 5022235 (VCV005022235.1).